The following is an entry in ClinVar:

ClinVar aggregate classification (germline): Uncertain significance (1 of 4 stars; one submission).

Submission:

Labcorp Genetics (formerly Invitae), Labcorp
Classification: Uncertain significance. Last evaluated: 2019-04-08. Review status: criteria provided, single submitter. Criteria: Invitae Variant Classification Sherloc (09022015). Collection method: clinical testing. Allele origin: germline.
Comment: This sequence change replaces aspartic acid with glycine at codon 1487 of the NEXMIF protein (p.Asp1487Gly). The aspartic acid residue is moderately conserved and there is a moderate physicochemical difference between aspartic acid and glycine. This variant is not present in population databases (ExAC no frequency). This variant has not been reported in the literature in individuals with NEXMIF-related conditions. Algorithms developed to predict the effect of missense changes on protein structure and function output the following: SIFT: "Tolerated"; PolyPhen-2: "Benign"; Align-GVGD: "Class C0". The glycine amino acid residue is found in multiple mammalian species, suggesting that this missense change does not adversely affect protein function. These predictions have not been confirmed by published functional studies and their clinical significance is uncertain. In summary, the available evidence is currently insufficient to determine the role of this variant in disease. Therefore, it has been classified as a Variant of Uncertain Significance.

NM_001008537.3(NEXMIF):c.4460A>G (p.Asp1487Gly)

Gene: NEXMIF (neurite extension and migration factor; minus strand). Cytogenetic location: Xq13.3.
Variant type: single nucleotide variant.
Coding change: c.4460A>G on transcript NM_001008537.3 (MANE Select); coding-DNA position 4460, A replaced by G.
Protein change: p.Asp1487Gly; replaces aspartic acid 1487 with glycine.
Molecular consequence: missense variant.
Genome position (GRCh38, 1-based): chrX:74,739,496, T>C on the plus strand (A>G on the coding strand, the complement: NEXMIF is on the minus strand). VCF-style: chrX-74739496-T-C. GRCh37 (hg19) VCF-style: chrX-73959331-T-C.
Other names: short protein forms D1487G.
Identifiers: ClinVar variation 861862 (VCV000861862.9), dbSNP rs2080094985, ClinGen allele CA413663115.